The following is an entry in ClinVar:

ClinVar aggregate classification (germline): Uncertain significance. Review status: criteria provided, multiple submitters, no conflicts (2 of 4 stars). 2 submissions from 2 submitters: Uncertain significance (2). Last evaluated 2025-03-22.

Allele frequency attached by ClinVar (database versions not stated): ExAC 0.00010; ESP Exome Variant Server 0.00015; gnomAD 0.00019; gnomAD exomes 0.00021; TOPMed 0.00022.
gnomAD v4.1: 330 of 1,613,402 alleles (0.02%); highest among the groups gnomAD compares: Admixed American, 0.042%; no homozygotes.

Submissions (3):

Ambry Genetics
Classification: Uncertain significance. Last evaluated: 2025-03-22. Review status: criteria provided, single submitter. Criteria: Ambry Variant Classification Scheme 2023. Collection method: clinical testing. Allele origin: germline.

GeneDx
Classification: Uncertain significance. Last evaluated: 2024-01-08. Review status: criteria provided, single submitter. Criteria: GeneDx Variant Classification Process June 2021. Collection method: clinical testing. Allele origin: germline. Affected: yes.
Comment: In silico analysis supports that this missense variant has a deleterious effect on protein structure/function; Has not been previously published as pathogenic or benign to our knowledge

Dr. Peter K. Rogan Lab, Western University
No classification provided (evidence only). Condition: Malignant tumor of esophagus. Review status: no classification provided. Collection method: in vitro. Allele origin: not applicable. Functional consequence: retained intron. Not counted in ClinVar's aggregate classification.

NM_138775.3(ALKBH8):c.830G>A (p.Arg277Gln)

Gene: ALKBH8 (alkB homolog 8, tRNA methyltransferase; minus strand). Cytogenetic location: 11q22.3.
Variant type: single nucleotide variant.
Coding change: c.830G>A on transcript NM_138775.3 (MANE Select); coding-DNA position 830, G replaced by A.
Protein change: p.Arg277Gln; replaces arginine 277 with glutamine.
Molecular consequence: missense variant. On other transcripts: non-coding transcript variant (6).
Genome position (GRCh38, 1-based): chr11:107,532,348, C>T on the plus strand (G>A on the coding strand, the complement: ALKBH8 is on the minus strand). VCF-style: chr11-107532348-C-T. GRCh37 (hg19) VCF-style: chr11-107403074-C-T.
Other names: NC_000011.9:g.107403074C>T; c.830G>A, p.Arg277Gln (NM_001301010.3, NM_001378133.1); short protein forms R277Q.
Identifiers: ClinVar variation 1703941 (VCV001703941.7), dbSNP rs201497980, ClinGen allele CA6261111.